The following is an entry in ClinVar:

ClinVar aggregate classification (germline): Uncertain significance (1 of 4 stars; one submission).

Conditions:
Baller-Gerold syndrome (BGS). Also called: CRANIOSYNOSTOSIS WITH RADIAL DEFECTS. Identifiers: Orphanet 1225, MedGen C0265308, MONDO:0009039, OMIM 218600.

Allele frequency attached by ClinVar (database versions not stated): gnomAD exomes below 0.00001.

Submission:

Labcorp Genetics (formerly Invitae), Labcorp
Classification: Uncertain significance for Baller-Gerold syndrome. Last evaluated: 2024-11-09. Review status: criteria provided, single submitter. Criteria: Invitae Variant Classification Sherloc (09022015). Collection method: clinical testing. Allele origin: germline.
Comment: This sequence change falls in intron 3 of the RECQL4 gene. It does not directly change the encoded amino acid sequence of the RECQL4 protein. It affects a nucleotide within the consensus splice site. This variant is not present in population databases (gnomAD no frequency). This variant has not been reported in the literature in individuals affected with RECQL4-related conditions. ClinVar contains an entry for this variant (Variation ID: 1016896). Variants that disrupt the consensus splice site are a relatively common cause of aberrant splicing (PMID: 17576681, 9536098). Algorithms developed to predict the effect of sequence changes on RNA splicing suggest that this variant may disrupt the consensus splice site. In summary, the available evidence is currently insufficient to determine the role of this variant in disease. Therefore, it has been classified as a Variant of Uncertain Significance.

Literature cited by the submitters: PubMed 17576681; PubMed 9536098.

NM_004260.4(RECQL4):c.213_213+2dup

Gene: RECQL4 (RecQ like helicase 4; minus strand). Cytogenetic location: 8q24.3.
Variant type: Duplication.
Coding change: c.213_213+2dup on transcript NM_004260.4 (MANE Select); coding-DNA position 213 through the canonical splice donor site of the intron after coding-DNA position 213, 3 bases duplicated (GGT; older notation c.213_213+2dupGGT).
Molecular consequence: splice donor variant.
Genome position (GRCh38, 1-based): chr8:144,517,412-144,517,414, ACC duplicated on the plus strand (GGT on the coding strand, the reverse complement: RECQL4 is on the minus strand). VCF-style (leftmost placement, unchanged base first): chr8-144517411-T-TACC. GRCh37 (hg19) VCF-style: chr8-145742795-T-TACC.
Identifiers: ClinVar variation 1016896 (VCV001016896.4), dbSNP rs1815339349, ClinGen allele CA1826369865.